The following is an entry in ClinVar:

ClinVar aggregate classification (germline): Benign/Likely benign. Review status: criteria provided, multiple submitters, no conflicts (2 of 4 stars). 3 submissions from 3 submitters: Benign (1); Likely benign (2). Last evaluated 2026-07-01.

Conditions:
Inborn genetic diseases. Identifiers: MedGen C0950123, MeSH D030342.

Allele frequency attached by ClinVar (database versions not stated): gnomAD exomes 0.00005; gnomAD 0.00008; ESP Exome Variant Server 0.00009; 1000 Genomes Project 30x 0.00021; 1000 Genomes Project 0.00026; TOPMed 0.00002; ExAC 0.00004.

Submissions (3):

CeGaT Center for Human Genetics Tuebingen
Classification: Likely benign. Last evaluated: 2026-07-01. Review status: criteria provided, single submitter. Criteria: CeGaT Center For Human Genetics Tuebingen Variant Classification Criteria Version 2. Collection method: clinical testing. Allele origin: germline. Affected: yes. Observed: 2 variant alleles.
Comment: AP1S2: BS2

Labcorp Genetics (formerly Invitae), Labcorp
Classification: Benign. Last evaluated: 2023-11-25. Review status: criteria provided, single submitter. Criteria: Invitae Variant Classification Sherloc (09022015). Collection method: clinical testing. Allele origin: germline.

Ambry Genetics
Classification: Likely benign for Inborn genetic diseases. Last evaluated: 2022-07-27. Review status: criteria provided, single submitter. Criteria: Ambry Variant Classification Scheme 2023. Collection method: clinical testing. Allele origin: germline.

NM_001272071.2(AP1S2):c.112G>A (p.Val38Ile)

Gene: AP1S2 (adaptor related protein complex 1 subunit sigma 2; minus strand). Cytogenetic location: Xp22.2.
Variant type: single nucleotide variant.
Coding change: c.112G>A on transcript NM_001272071.2 (MANE Select); coding-DNA position 112, G replaced by A.
Protein change: p.Val38Ile; replaces valine 38 with isoleucine.
Molecular consequence: missense variant. On other transcripts: non-coding transcript variant (2).
Genome position (GRCh38, 1-based): chrX:15,852,413, C>T on the plus strand (G>A on the coding strand, the complement: AP1S2 is on the minus strand). VCF-style: chrX-15852413-C-T. GRCh37 (hg19) VCF-style: chrX-15870536-C-T.
Other names: c.112G>A, p.Val38Ile (NM_001368994.1, NM_001369007.1, NM_001369008.1 and 1 more transcripts); short protein forms V38I.
Identifiers: ClinVar variation 2218349 (VCV002218349.29), dbSNP rs200944886, ClinGen allele CA10356469.